The following is an entry in ClinVar:

NM_000352.6(ABCC8):c.3975C>T (p.Tyr1325=)

Gene: ABCC8 (ATP binding cassette subfamily C member 8; minus strand). Cytogenetic location: 11p15.1.
Variant type: single nucleotide variant.
Coding change: c.3975C>T on transcript NM_000352.6 (MANE Select); coding-DNA position 3975, C replaced by T.
Protein change: p.Tyr1325=; no amino-acid change (tyrosine 1325 retained).
Molecular consequence: synonymous variant. On other transcripts: non-coding transcript variant (1).
Genome position (GRCh38, 1-based): chr11:17,397,206, G>A on the plus strand (C>T on the coding strand, the complement: ABCC8 is on the minus strand). VCF-style: chr11-17397206-G-A. GRCh37 (hg19) VCF-style: chr11-17418753-G-A.
Other names: c.3978C>T, p.Tyr1326= (NM_001287174.3); c.4041C>T, p.Tyr1347= (NM_001351295.2); c.3975C>T, p.Tyr1325= (NM_001351296.2); c.3972C>T, p.Tyr1324= (NM_001351297.2).
Identifiers: ClinVar variation 303756 (VCV000303756.59), dbSNP rs138141427, ClinGen allele CA5902632.

ClinVar aggregate classification (germline): Conflicting classifications of pathogenicity. Review status: criteria provided, conflicting classifications (1 of 4 stars). 13 submissions from 10 submitters: Uncertain significance (3); Benign (2); Likely benign (8). Last evaluated 2026-01-25.

Conditions:
Inborn genetic diseases. Identifiers: MedGen C0950123, MeSH D030342.
Maturity-onset diabetes of the young (MODY). Also called: Maturity onset diabetes mellitus in young. Identifiers: Orphanet 552, MedGen C0342276, MONDO:0018911, HP:0004904.
Permanent neonatal diabetes mellitus (PNDM). Identifiers: Orphanet 99885, MedGen C1833104, MONDO:0100164, MONDO:0011643. Disease mechanism: gain of function.
Transitory neonatal diabetes mellitus. Also called: Transient neonatal diabetes mellitus. Identifiers: MedGen C0342273, MONDO:0020525, HP:0008255.
Diabetes mellitus, transient neonatal, 2 (TNDM2). Identifiers: Orphanet 99886, MedGen C1835887, MONDO:0012480, OMIM 610374. Disease mechanism: loss of function.
Hyperinsulinemic hypoglycemia, familial, 1 (HHF1). Also called: HYPERINSULINISM, FAMILIAL, WITH PANCREATIC NESIDIOBLASTOSIS; HYPOGLYCEMIA, HYPERINSULINEMIC, OF INFANCY; NESIDIOBLASTOSIS OF PANCREAS; Persistent hyperinsulinemic hypoglycemia of infancy; Persistent Hyperinsulinemia Hypoglycemia of Infancy. Identifiers: Orphanet 276575, Orphanet 276598, MedGen C2931832, MONDO:0009734, OMIM 256450.

Allele frequency attached by ClinVar (database versions not stated): gnomAD exomes 0.00039; ExAC 0.00050; ESP Exome Variant Server 0.00108; gnomAD 0.00112 and 0.00121; 1000 Genomes Project 0.00120; TOPMed 0.00125.
gnomAD v4.1: 393 of 1,613,572 alleles (0.024%); highest among the groups gnomAD compares: African/African-American, 0.35%; 3 homozygotes.

Submissions (13):

Labcorp Genetics (formerly Invitae), Labcorp
Classification: Benign. Last evaluated: 2026-01-25. Review status: criteria provided, single submitter. Criteria: Invitae Variant Classification Sherloc (09022015). Collection method: clinical testing. Allele origin: germline.

ARUP Laboratories, Molecular Genetics and Genomics, ARUP Laboratories
Classification: Likely benign. Last evaluated: 2025-06-09. Review status: criteria provided, single submitter. Criteria: ARUP Molecular Germline Variant Investigation Process 2024. Collection method: clinical testing. Allele origin: germline.

CeGaT Center for Human Genetics Tuebingen
Classification: Likely benign. Last evaluated: 2024-12-01. Review status: criteria provided, single submitter. Criteria: CeGaT Center For Human Genetics Tuebingen Variant Classification Criteria Version 2. Collection method: clinical testing. Allele origin: germline. Affected: yes. Observed: 2 variant alleles.
Comment: ABCC8: BP4, BP7

Blueprint Genetics
Classification: Likely benign. Last evaluated: 2024-11-14. Review status: criteria provided, single submitter. Criteria: ACMG Guidelines, 2015. Collection method: clinical testing. Allele origin: germline.

Ambry Genetics
Classification: Likely benign for Inborn genetic diseases. Last evaluated: 2022-09-10. Review status: criteria provided, single submitter. Criteria: Ambry Variant Classification Scheme 2023. Collection method: clinical testing. Allele origin: germline.

GeneDx
Classification: Likely benign. Last evaluated: 2019-07-01. Review status: criteria provided, single submitter. Criteria: GeneDx Variant Classification Process June 2021. Collection method: clinical testing. Allele origin: germline. Affected: yes.

Illumina Laboratory Services, Illumina
Classification: Likely benign for Permanent neonatal diabetes mellitus 1. Last evaluated: 2018-01-13. Review status: criteria provided, single submitter. Criteria: ICSL Variant Classification Criteria 13 December 2019. Collection method: clinical testing. Allele origin: germline.
Comment: This variant was observed in the ICSL laboratory as part of a predisposition screen in an ostensibly healthy population. It had not been previously curated by ICSL or reported in the Human Gene Mutation Database (HGMD: prior to June 1st, 2018), and was therefore a candidate for classification through an automated scoring system. Utilizing variant allele frequency, disease prevalence and penetrance estimates, and inheritance mode, an automated score was calculated to assess if this variant is too frequent to cause the disease. Based on the score and internal cut-off values, a variant classified as likely benign is not then subjected to further curation. The score for this variant resulted in a classification of likely benign for this disease.

Illumina Laboratory Services, Illumina
Classification: Benign for Diabetes mellitus, transient neonatal, 2. Last evaluated: 2018-01-13. Review status: criteria provided, single submitter. Criteria: ICSL Variant Classification Criteria 13 December 2019. Collection method: clinical testing. Allele origin: germline.
Comment: This variant was observed in the ICSL laboratory as part of a predisposition screen in an ostensibly healthy population. It had not been previously curated by ICSL or reported in the Human Gene Mutation Database (HGMD: prior to June 1st, 2018), and was therefore a candidate for classification through an automated scoring system. Utilizing variant allele frequency, disease prevalence and penetrance estimates, and inheritance mode, an automated score was calculated to assess if this variant is too frequent to cause the disease. Based on the score and internal cut-off values, a variant classified as benign is not then subjected to further curation. The score for this variant resulted in a classification of benign for this disease.

Illumina Laboratory Services, Illumina
Classification: Uncertain significance for Hyperinsulinemic hypoglycemia, familial, 1. Last evaluated: 2018-01-13. Review status: criteria provided, single submitter. Criteria: ICSL Variant Classification Criteria 13 December 2019. Collection method: clinical testing. Allele origin: germline.

Athena Diagnostics
Classification: Likely benign. Last evaluated: 2017-02-06. Review status: criteria provided, single submitter. Criteria: Athena Diagnostics Criteria. Collection method: clinical testing. Allele origin: germline.

Genetic Services Laboratory, University of Chicago
Classification: Likely benign. Last evaluated: 2016-12-09. Review status: criteria provided, single submitter. Criteria: ACMG Guidelines, 2015. Collection method: clinical testing. Allele origin: germline. Affected: no.

Clinical Genomics, Uppaluri K&H Personalized Medicine Clinic
Classification: Uncertain significance for Maturity-onset diabetes of the young. Review status: criteria provided, single submitter. Criteria: K & H Uppaluri Personalized Medicine Clinic Variant Classification & Assertion Criteria_Updated V.1. Collection method: research. Allele origin: somatic. Inheritance: Somatic mutation.
Comment: Mutations in ABCC8 gene are associated with both neonatal diabetes mellitus as well as MODY. Patients with this mutation may have a better response to sulfonylureas. However, no sufficient evidence is found to ascertain the role of this particular variant (rs138141427) in MODY yet.

Clinical Genomics, Uppaluri K&H Personalized Medicine Clinic
Classification: Uncertain significance for Transitory neonatal diabetes mellitus. Review status: criteria provided, single submitter. Criteria: K & H Uppaluri Personalized Medicine Clinic Variant Classification & Assertion Criteria_Updated V.1. Collection method: research. Allele origin: somatic. Inheritance: Somatic mutation.
Comment: Mutations in ABCC8 gene are associated with both neonatal diabetes mellitus as well as MODY. Patients with this mutation may have a better response to sulfonylureas. However, no sufficient evidence is found to ascertain the role of this particular variant (rs138141427) in neonatal diabetes yet.

Literature cited by the submitters: PubMed 16885549 (cited by Clinical Genomics, Uppaluri K&H Personalized Medicine Clinic); PubMed 21989597 (cited by Clinical Genomics, Uppaluri K&H Personalized Medicine Clinic); PubMed 27538677 (cited by Clinical Genomics, Uppaluri K&H Personalized Medicine Clinic); PubMed 18981553 (cited by Clinical Genomics, Uppaluri K&H Personalized Medicine Clinic); PubMed 32027066 (cited by Clinical Genomics, Uppaluri K&H Personalized Medicine Clinic); PubMed 16613899 (cited by Clinical Genomics, Uppaluri K&H Personalized Medicine Clinic); PubMed 18025408 (cited by Clinical Genomics, Uppaluri K&H Personalized Medicine Clinic); PubMed 32792356 (cited by Clinical Genomics, Uppaluri K&H Personalized Medicine Clinic).